The following is an entry in ClinVar:

ClinVar aggregate classification (germline): Benign/Likely benign. Review status: criteria provided, multiple submitters, no conflicts (2 of 4 stars). 9 submissions from 9 submitters: Benign (5); Likely benign (3). 1 of the submissions does not count toward it. Last evaluated 2026-01-28.

Conditions:
Bethlem myopathy 1A. Also called: MYOPATHY, BENIGN CONGENITAL, WITH CONTRACTURES; Bethlem myopathy 1; Bethlem Muscular Dystrophy. Identifiers: Orphanet 610, MedGen CN029274, MONDO:0024530, OMIM 158810.
Ullrich congenital muscular dystrophy 1A. Also called: Ullrich congenital muscular dystrophy 1; Intermediate COL6-RD. Identifiers: Orphanet 75840, MedGen C0410179, MONDO:0009681, OMIM 254090.
Myosclerosis. Also called: MYOPATHY, MYOSCLEROTIC; MYOSCLEROSIS, CONGENITAL, OF LOWENTHAL; Myosclerosis, congenital. Identifiers: Orphanet 289380, MedGen C1850671, MONDO:0009714, OMIM 255600.

Allele frequency attached by ClinVar (database versions not stated): ESP Exome Variant Server 0.00108; gnomAD exomes 0.00533 and 0.01191; gnomAD 0.00652 and 0.00474; TOPMed 0.00704; ExAC 0.01238; 1000 Genomes Project 30x 0.02374; 1000 Genomes Project 0.02656.
gnomAD v4.1: 8,850 of 1,606,384 alleles (0.55%); highest among the groups gnomAD compares: East Asian, 13%; 443 homozygotes.

Submissions (9):

Labcorp Genetics (formerly Invitae), Labcorp
Classification: Benign for Bethlem myopathy 1A. Last evaluated: 2026-01-28. Review status: criteria provided, single submitter. Criteria: Invitae Variant Classification Sherloc (09022015). Collection method: clinical testing. Allele origin: germline.

Fulgent Genetics
Classification: Likely benign for Bethlem myopathy 1A; Ullrich congenital muscular dystrophy 1A; Myosclerosis. Last evaluated: 2022-02-25. Review status: criteria provided, single submitter. Criteria: ACMG Guidelines, 2015. Collection method: clinical testing. Allele origin: unknown.

Mayo Clinic Laboratories, Mayo Clinic
Classification: Benign. Last evaluated: 2018-12-17. Review status: criteria provided, single submitter. Criteria: ACMG Guidelines, 2015. Collection method: clinical testing. Allele origin: germline. Observed: 11 variant alleles.

Athena Diagnostics
Classification: Benign. Last evaluated: 2016-12-09. Review status: criteria provided, single submitter. Criteria: Athena Diagnostics Criteria. Collection method: clinical testing. Allele origin: germline.

GeneDx
Classification: Benign. Last evaluated: 2016-06-10. Review status: criteria provided, single submitter. Criteria: GeneDx Variant Classification (06012015). Collection method: clinical testing. Allele origin: germline. Affected: yes.
Comment: This variant is considered likely benign or benign based on one or more of the following criteria: it is a conservative change, it occurs at a poorly conserved position in the protein, it is predicted to be benign by multiple in silico algorithms, and/or has population frequency not consistent with disease.

Eurofins Ntd Llc (ga)
Classification: Benign. Last evaluated: 2015-03-31. Review status: criteria provided, single submitter. Criteria: EGL Classification Definitions 2015. Collection method: clinical testing. Allele origin: germline. Observed: 3 variant alleles, 3 heterozygotes.

Breakthrough Genomics
Classification: Likely benign. Review status: criteria provided, single submitter. Criteria: ACMG Guidelines, 2015. Collection method: not provided. Allele origin: germline. Inheritance: Autosomal recessive inheritance. Affected: yes.

PreventionGenetics, part of Exact Sciences
Classification: Likely benign. Review status: criteria provided, single submitter. Criteria: ACMG Guidelines, 2015. Collection method: clinical testing. Allele origin: germline.

Genetic Services Laboratory, University of Chicago
Classification: Likely benign for AllHighlyPenetrant. Review status: no assertion criteria provided. Collection method: clinical testing. Allele origin: germline. Not counted in ClinVar's aggregate classification.
Comment: Likely benign based on allele frequency in 1000 Genomes Project or ESP global frequency and its presence in a patient with a rare or unrelated disease phenotype. NOT Sanger confirmed.

Literature cited by the submitters: PubMed 24801232 (cited by Athena Diagnostics).

NM_001849.4(COL6A2):c.2980G>A (p.Ala994Thr)

Gene: COL6A2 (collagen type VI alpha 2 chain; plus strand). Cytogenetic location: 21q22.3.
Variant type: single nucleotide variant.
Coding change: c.2980G>A on transcript NM_001849.4 (MANE Select); coding-DNA position 2980, G replaced by A.
Protein change: p.Ala994Thr; replaces alanine 994 with threonine.
Molecular consequence: missense variant.
Genome position (GRCh38, 1-based): chr21:46,132,472, G>A. VCF-style: chr21-46132472-G-A. GRCh37 (hg19) VCF-style: chr21-47552386-G-A.
Other names: short protein forms A994T.
Identifiers: ClinVar variation 128815 (VCV000128815.26), dbSNP rs117931394, ClinGen allele CA152462.